The following is an entry in ClinVar:

NM_018896.5(CACNA1G):c.2048G>A (p.Arg683His)

Gene: CACNA1G (calcium voltage-gated channel subunit alpha1 G; plus strand). Cytogenetic location: 17q21.33.
Variant type: single nucleotide variant.
Coding change: c.2048G>A on transcript NM_018896.5 (MANE Select); coding-DNA position 2048, G replaced by A.
Protein change: p.Arg683His; replaces arginine 683 with histidine.
Molecular consequence: missense variant. On other transcripts: non-coding transcript variant (5).
Genome position (GRCh38, 1-based): chr17:50,578,311, G>A. VCF-style: chr17-50578311-G-A. GRCh37 (hg19) VCF-style: chr17-48655672-G-A.
Other names: c.2048G>A, p.Arg683His (NM_001256324.2, NM_001256325.2, NM_001256326.2 and 24 more transcripts); short protein forms R683H.
Identifiers: ClinVar variation 2346359 (VCV002346359.33), dbSNP rs539364383, ClinGen allele CA8652318.

ClinVar aggregate classification (germline): Conflicting classifications of pathogenicity. Review status: criteria provided, conflicting classifications (1 of 4 stars). 5 submissions from 5 submitters: Uncertain significance (1); Benign (1); Likely benign (3). Last evaluated 2024-07-11.

Conditions:
Inborn genetic diseases. Identifiers: MedGen C0950123, MeSH D030342.

Allele frequency attached by ClinVar (database versions not stated): 1000 Genomes Project 0.00020; ExAC 0.00005; gnomAD exomes 0.00005; TOPMed 0.00006; gnomAD 0.00011; 1000 Genomes Project 30x 0.00016.
gnomAD v4.1: 87 of 1,613,166 alleles (0.0054%); highest among the groups gnomAD compares: Middle Eastern, 0.15%; 1 homozygote.

Submissions (5):

Blueprint Genetics
Classification: Likely benign. Last evaluated: 2024-07-11. Review status: criteria provided, single submitter. Criteria: ACMG Guidelines, 2015. Collection method: clinical testing. Allele origin: germline.

Labcorp Genetics (formerly Invitae), Labcorp
Classification: Benign. Last evaluated: 2024-07-03. Review status: criteria provided, single submitter. Criteria: Invitae Variant Classification Sherloc (09022015). Collection method: clinical testing. Allele origin: germline.

CeGaT Center for Human Genetics Tuebingen
Classification: Likely benign. Last evaluated: 2023-03-01. Review status: criteria provided, single submitter. Criteria: CeGaT Center For Human Genetics Tuebingen Variant Classification Criteria Version 2. Collection method: clinical testing. Allele origin: germline. Affected: yes. Observed: 1 variant allele.
Comment: CACNA1G: BS1

Ambry Genetics
Classification: Likely benign for Inborn genetic diseases. Last evaluated: 2022-01-26. Review status: criteria provided, single submitter. Criteria: Ambry Variant Classification Scheme 2023. Collection method: clinical testing. Allele origin: germline.

Revvity Omics, Revvity
Classification: Uncertain significance. Last evaluated: 2021-01-25. Review status: criteria provided, single submitter. Criteria: ACMG Guidelines, 2015. Collection method: clinical testing. Allele origin: germline.